The following is an entry in ClinVar:

NM_014159.7(SETD2):c.3229A>G (p.Thr1077Ala)

Gene: SETD2 (SET domain containing 2, histone lysine methyltransferase; minus strand). Cytogenetic location: 3p21.31.
Variant type: single nucleotide variant.
Coding change: c.3229A>G on transcript NM_014159.7 (MANE Select); coding-DNA position 3229, A replaced by G.
Protein change: p.Thr1077Ala; replaces threonine 1077 with alanine.
Molecular consequence: missense variant. On other transcripts: non-coding transcript variant (1).
Genome position (GRCh38, 1-based): chr3:47,121,407, T>C on the plus strand (A>G on the coding strand, the complement: SETD2 is on the minus strand). VCF-style: chr3-47121407-T-C. GRCh37 (hg19) VCF-style: chr3-47162897-T-C.
Other names: c.3097A>G, p.Thr1033Ala (NM_001349370.3); short protein forms T1077A, T1033A.
Identifiers: ClinVar variation 135217 (VCV000135217.43), dbSNP rs114719990, ClinGen allele CA162044.

ClinVar aggregate classification (germline): Benign/Likely benign. Review status: criteria provided, multiple submitters, no conflicts (2 of 4 stars). 10 submissions from 10 submitters: Benign (2); Likely benign (4). 4 of the submissions do not count toward it. Last evaluated 2026-06-01.

Conditions:
SETD2-related disorder.
Inborn genetic diseases. Identifiers: MedGen C0950123, MeSH D030342.
Luscan-Lumish syndrome. Identifiers: Orphanet 597738, MedGen C4085873, MONDO:0014791, OMIM 616831.

Allele frequency attached by ClinVar (database versions not stated): TOPMed 0.00082; gnomAD 0.00093 and 0.00095; ESP Exome Variant Server 0.00115; gnomAD exomes 0.00138 and 0.00076; 1000 Genomes Project 0.00020; 1000 Genomes Project 30x 0.00031; ExAC 0.00071.
gnomAD v4.1: 2,107 of 1,610,690 alleles (0.13%); highest among the groups gnomAD compares: Non-Finnish European, 0.17%; 4 homozygotes.

Submissions (10):

CeGaT Center for Human Genetics Tuebingen
Classification: Likely benign. Last evaluated: 2026-06-01. Review status: criteria provided, single submitter. Criteria: CeGaT Center For Human Genetics Tuebingen Variant Classification Criteria Version 2. Collection method: clinical testing. Allele origin: germline. Affected: yes. Observed: 8 variant alleles.
Comment: SETD2: BS1

Labcorp Genetics (formerly Invitae), Labcorp
Classification: Likely benign for Luscan-Lumish syndrome. Last evaluated: 2026-01-19. Review status: criteria provided, single submitter. Criteria: Invitae Variant Classification Sherloc (09022015). Collection method: clinical testing. Allele origin: germline.

Blueprint Genetics
Classification: Likely benign. Last evaluated: 2024-11-19. Review status: criteria provided, single submitter. Criteria: ACMG Guidelines, 2015. Collection method: clinical testing. Allele origin: germline.

Genome-Nilou Lab
Classification: Benign for Luscan-Lumish syndrome. Last evaluated: 2022-03-15. Review status: criteria provided, single submitter. Criteria: ACMG Guidelines, 2015. Collection method: clinical testing. Allele origin: germline. Affected: no.

Ambry Genetics
Classification: Likely benign for Inborn genetic diseases. Last evaluated: 2021-07-09. Review status: criteria provided, single submitter. Criteria: Ambry Variant Classification Scheme 2023. Collection method: clinical testing. Allele origin: germline.

GeneDx
Classification: Benign. Last evaluated: 2018-11-20. Review status: criteria provided, single submitter. Criteria: GeneDx Variant Classification Process June 2021. Collection method: clinical testing. Allele origin: germline. Affected: yes.

PreventionGenetics, part of Exact Sciences
Classification: Likely benign for SETD2-related condition. Last evaluated: 2022-09-01. Review status: no assertion criteria provided. Collection method: clinical testing. Allele origin: germline. Not counted in ClinVar's aggregate classification.
Comment: This variant is classified as likely benign based on ACMG/AMP sequence variant interpretation guidelines (Richards et al. 2015 PMID: 25741868, with internal and published modifications).

ITMI
No classification provided. Condition: AllHighlyPenetrant. Last evaluated: 2013-09-19. Review status: no classification provided. Collection method: reference population. Allele origin: germline. Not counted in ClinVar's aggregate classification.
Comment: Please see associated publication for description of ethnicities

Diagnostic Laboratory, Department of Genetics, University Medical Center Groningen
Classification: Likely benign. Review status: no assertion criteria provided. Collection method: clinical testing. Allele origin: germline. Affected: yes. Study: VKGL Data-share Consensus. Not counted in ClinVar's aggregate classification.

Laboratory of Diagnostic Genome Analysis, Leiden University Medical Center (LUMC)
Classification: Likely benign. Review status: no assertion criteria provided. Collection method: clinical testing. Allele origin: germline. Affected: yes. Study: VKGL Data-share Consensus. Not counted in ClinVar's aggregate classification.

Literature cited by the submitters: PubMed 24728327 (cited by ITMI).